The following is an entry in ClinVar:

NM_000391.4(TPP1):c.13G>T (p.Ala5Ser)

Gene: TPP1 (tripeptidyl peptidase 1; minus strand). Cytogenetic location: 11p15.4.
Variant type: single nucleotide variant.
Coding change: c.13G>T on transcript NM_000391.4 (MANE Select); coding-DNA position 13, G replaced by T.
Protein change: p.Ala5Ser; replaces alanine 5 with serine.
Molecular consequence: missense variant.
Genome position (GRCh38, 1-based): chr11:6,619,388, C>A on the plus strand (G>T on the coding strand, the complement: TPP1 is on the minus strand). VCF-style: chr11-6619388-C-A. GRCh37 (hg19) VCF-style: chr11-6640619-C-A.
Other names: short protein forms A5S.
Identifiers: ClinVar variation 1418859 (VCV001418859.7), dbSNP rs1216441144, ClinGen allele CA379477098.

ClinVar aggregate classification (germline): Uncertain significance. Review status: criteria provided, multiple submitters, no conflicts (2 of 4 stars). 2 submissions from 2 submitters: Uncertain significance (2). Last evaluated 2024-01-19.

gnomAD v4.1: 7 of 1,614,224 alleles (0.00043%); highest among the groups gnomAD compares: Admixed American, 0.0017%; no homozygotes.

Submissions (2):

Labcorp Genetics (formerly Invitae), Labcorp
Classification: Uncertain significance. Last evaluated: 2024-01-19. Review status: criteria provided, single submitter. Criteria: Invitae Variant Classification Sherloc (09022015). Collection method: clinical testing. Allele origin: germline.
Comment: This sequence change replaces alanine, which is neutral and non-polar, with serine, which is neutral and polar, at codon 5 of the TPP1 protein (p.Ala5Ser). This variant is present in population databases (no rsID available, gnomAD 0.003%). This variant has not been reported in the literature in individuals affected with TPP1-related conditions. ClinVar contains an entry for this variant (Variation ID: 1418859). Advanced modeling of protein sequence and biophysical properties (such as structural, functional, and spatial information, amino acid conservation, physicochemical variation, residue mobility, and thermodynamic stability) performed at Invitae indicates that this missense variant is not expected to disrupt TPP1 protein function with a negative predictive value of 95%. In summary, the available evidence is currently insufficient to determine the role of this variant in disease. Therefore, it has been classified as a Variant of Uncertain Significance.

Blueprint Genetics
Classification: Uncertain significance. Last evaluated: 2022-07-04. Review status: criteria provided, single submitter. Criteria: ACMG Guidelines, 2015. Collection method: clinical testing. Allele origin: germline.